The following is an entry in ClinVar:

ClinVar aggregate classification (germline): Uncertain significance (1 of 4 stars; one submission).

Conditions:
Familial thoracic aortic aneurysm and aortic dissection (TAAD). Also called: Thoracic aortic aneurysms and dissections. Identifiers: Orphanet 91387, MedGen C4707243, MONDO:0019625.

Allele frequency attached by ClinVar (database versions not stated): TOPMed 0.00001.
gnomAD v4.1: 2 of 1,613,822 alleles (0.00012%); highest among the groups gnomAD compares: East Asian, 0.0045%; no homozygotes.

Submission:

Color Diagnostics, LLC DBA Color Health
Classification: Uncertain significance for Familial thoracic aortic aneurysm and aortic dissection. Last evaluated: 2024-03-06. Review status: criteria provided, single submitter. Criteria: ACMG Guidelines, 2015. Collection method: clinical testing. Allele origin: germline.
Comment: This missense variant replaces phenylalanine with leucine at codon 1583 of the MYH11 protein. Computational prediction suggests that this variant may not impact protein structure and function (internally defined REVEL score threshold <= 0.5, PMID: 27666373). Splice site prediction tools suggest that this variant may not impact RNA splicing. To our knowledge, functional studies have not been performed for this variant. This variant has not been reported in individuals affected with cardiovascular disorders in the literature. This variant has been identified in 1/251472 chromosomes in the general population by the Genome Aggregation Database (gnomAD). The available evidence is insufficient to determine the role of this variant in disease conclusively. Therefore, this variant is classified as a Variant of Uncertain Significance.

NM_002474.3(MYH11):c.4728C>A (p.Phe1576Leu)

Genes: MYH11 (myosin heavy chain 11; minus strand), NDE1 (nudE neurodevelopment protein 1; plus strand). Cytogenetic location: 16p13.11.
Variant type: single nucleotide variant.
Coding change: c.4728C>A on transcript NM_002474.3 (MANE Select); coding-DNA position 4728, C replaced by A.
Protein change: p.Phe1576Leu; replaces phenylalanine 1576 with leucine.
Molecular consequence: missense variant. On other transcripts: intron variant (2).
Genome position (GRCh38, 1-based): chr16:15,720,902, G>T on the plus strand (C>A on the coding strand, the complement: MYH11 is on the minus strand). VCF-style: chr16-15720902-G-T. GRCh37 (hg19) VCF-style: chr16-15814759-G-T.
Other names: c.4749C>A, p.Phe1583Leu (NM_001040113.2, NM_001040114.2); c.4728C>A, p.Phe1576Leu (NM_022844.3); c.948-3289G>T (NM_001143979.2, NM_017668.3); short protein forms F1576L, F1583L.
Identifiers: ClinVar variation 927522 (VCV000927522.4), dbSNP rs765435868, ClinGen allele CA394853645.